The following is an entry in ClinVar:

NM_001754.5(RUNX1):c.71G>A (p.Gly24Glu)

Gene: RUNX1 (RUNX family transcription factor 1; minus strand). Cytogenetic location: 21q22.12.
Variant type: single nucleotide variant.
Coding change: c.71G>A on transcript NM_001754.5 (MANE Select); coding-DNA position 71, G replaced by A.
Protein change: p.Gly24Glu; replaces glycine 24 with glutamic acid.
Molecular consequence: missense variant.
Genome position (GRCh38, 1-based): chr21:34,892,951, C>T on the plus strand (G>A on the coding strand, the complement: RUNX1 is on the minus strand). VCF-style: chr21-34892951-C-T. GRCh37 (hg19) VCF-style: chr21-36265248-C-T.
Other names: NM_001754.5(RUNX1):c.71G>A; p.Gly24Glu; short protein forms G24E.
Identifiers: ClinVar variation 3377307 (VCV003377307.2).
Genomic context (GRCh38, chr21:34,892,951, plus strand): 5'-TTTATTTAAAAATATAACTTGGAATTTAACATACCGTGGACGTCTCTAGAAGGATTCATT[C>T]CAAGTATGCATTCTGAAATAACAGAAAGTAGGAAAATAAAAGTAATGCAAGTTTAAAAAT-3'
Protein context (NP_001745.2, residues 14-34): PQCFMRECIL[Gly24Glu]MNPSRDVHDA

ClinVar aggregate classification (germline): Uncertain significance. Review status: reviewed by expert panel (3 of 4 stars). 2 submissions from 2 submitters: Uncertain significance (1). 1 of the submissions does not count toward it. Last evaluated 2025-02-25.

Conditions:
Hereditary thrombocytopenia and hematological cancer predisposition syndrome associated with RUNX1. Also called: Familial Platelet Disorder with Propensity to Acute Myelogenous Leukemia; Familial thrombocytopenia with propensity to acute myelogenous leukemia; PLATELET DISORDER, ASPIRIN-LIKE; RUNX1 Familial Platelet Disorder with Associated Myeloid Malignancies. Identifiers: Orphanet 71290, MedGen C1832388, MeSH C563324, MONDO:0100083, OMIM 601399.
Hereditary thrombocytopenia and hematologic cancer predisposition syndrome. Identifiers: Orphanet 71290, MedGen CN281654, MONDO:0011071.

Submissions (2):

ClinGen Myeloid Malignancy Variant Curation Expert Panel
Classification: Uncertain significance for Hereditary thrombocytopenia and hematologic cancer predisposition syndrome. Last evaluated: 2025-02-25. Review status: reviewed by expert panel. Criteria: ClinGen MyeloMalig ACMG Specifications v2. Collection method: curation. Allele origin: germline. Inheritance: Autosomal dominant inheritance.
Comment: NM_001754.5(RUNX1):c.71G>A (p.Gly24Glu) is a missense variant is completely absent from all population databases with at least 20x coverage for RUNX1 (PM2_Supporting). This missense variant has a REVEL score < 0.50 (0.328) and a SpliceAI score ≤ 0.20 (0.12) (BP4). In summary, the clinical significance of this variant is uncertain. ACMG/AMP criteria applied, as specified by the Myeloid Malignancy Variant Curation Expert Panel for RUNX1: PM2_Supporting, BP4

Victorian Clinical Genetics Services, Murdoch Childrens Research Institute
Classification: Uncertain significance for Hereditary thrombocytopenia and hematological cancer predisposition syndrome associated with RUNX1. Last evaluated: 2024-10-09. Review status: criteria provided, single submitter. Criteria: ACMG Guidelines, 2015. Collection method: clinical testing. Allele origin: germline. Inheritance: Autosomal dominant inheritance. Affected: yes. Not counted in ClinVar's aggregate classification.
Comment: Based on the classification scheme VCGS_Germline_v1.3.4, this variant is classified as VUS-3C. Following criteria are met: 0103 - Dominant negative and loss of function are known mechanisms of disease in this gene, and are associated with acute myeloid leukaemia (MIM#601626) and familial platelet disorder with associated myeloid malignancy (MIM#601399) (PMID: 28179279). (I) 0107 - This gene is associated with autosomal dominant disease. (I) 0200 - Variant is predicted to result in a missense amino acid change from glycine to glutamic acid. (I) 0251 - This variant is heterozygous. (I) 0301 - Variant is absent from gnomAD (both v2 and v3). (SP) 0309 - An alternative amino acid change at the same position has been observed in gnomAD (v2: 1 heterozygote, 0 homozygotes). (I) 0502 - Missense variant with conflicting in silico predictions and uninformative conservation. (I) 0604 - Variant is not located in an established domain, motif, hotspot or informative constraint region. (I) 0710 - Another missense variant comparable to the one identified in this case has inconclusive previous evidence for pathogenicity. p.(Gly24Ala) has been reported as a VUS by a diagnostic laboratory (ClinVar). (I) 0807 - This variant has no previous evidence of pathogenicity. (I) 0904 - Non-segregation of this variant with the phenotype under investigation has been clearly demonstrated. (SB) 1007 - No published functional evidence has been identified for this variant. (I) Legend: (SP) - Supporting pathogenic, (I) - Information, (SB) - Supporting benign

Literature cited by the submitters: PubMed 28179279 (cited by Victorian Clinical Genetics Services, Murdoch Childrens Research Institute).